The following is an entry in ClinVar:

NM_000443.4(ABCB4):c.2898A>G (p.Gly966=)

Gene: ABCB4 (ATP binding cassette subfamily B member 4; minus strand). Cytogenetic location: 7q21.12.
Variant type: single nucleotide variant.
Coding change: c.2898A>G on transcript NM_000443.4 (MANE Select); coding-DNA position 2898, A replaced by G.
Protein change: p.Gly966=; no amino-acid change (glycine 966 retained).
Molecular consequence: synonymous variant. On other transcripts: intron variant (1).
Genome position (GRCh38, 1-based): chr7:87,411,919, T>C on the plus strand (A>G on the coding strand, the complement: ABCB4 is on the minus strand). VCF-style: chr7-87411919-T-C. GRCh37 (hg19) VCF-style: chr7-87041235-T-C.
Other names: c.2898A>G, p.Gly966= (NM_018849.3); c.2783+1698A>G (NM_018850.3).
Identifiers: ClinVar variation 4989442 (VCV004989442.1).
Genomic context (GRCh38, chr7:87,411,919, plus strand): 5'-ATAGAATAATCTTAATATTTCTAAAGCTACTTACAGAATAACATCTCTGAAGCGCATATG[T>C]CCATTCACAATGAGATATGCACCAAATCGAAAACAACCGGCATAGGAAAAATACATAAAT-3'
Protein context (NP_000434.1, residues 956-976): FRFGAYLIVN[Gly966=]HMRFRDVILV

ClinVar aggregate classification (germline): Uncertain significance (1 of 4 stars; one submission).

Conditions:
ABCB4-related disorder. Also called: ABCB4-related disorders; ABCB4-related condition.

Submission:

PreventionGenetics, part of Exact Sciences
Classification: Uncertain significance for ABCB4-related condition. Last evaluated: 2026-06-29. Review status: criteria provided, single submitter. Criteria: ACMG Guidelines, 2015. Collection method: clinical testing. Allele origin: germline.
Comment: The ABCB4 c.2898A>G variant is not predicted to result in an amino acid change (p.=). This variant is predicted to impact splicing based on one available splicing algorithm (SpliceAI, Jaganathan et al. 2019. PubMed ID: 30661751). To our knowledge, this variant has not been reported in the literature or in a large population database (gnomAD), indicating this variant is rare. At this time, the clinical significance of this variant is uncertain due to the absence of conclusive functional and genetic evidence.